The following is an entry in ClinVar:

ClinVar aggregate classification (germline): Likely benign (1 of 4 stars; one submission).

gnomAD v4.1: 161 of 1,551,552 alleles (0.01%); highest among the groups gnomAD compares: African/African-American, 0.18%; no homozygotes.

Submission:

CeGaT Center for Human Genetics Tuebingen
Classification: Likely benign. Last evaluated: 2026-04-01. Review status: criteria provided, single submitter. Criteria: CeGaT Center For Human Genetics Tuebingen Variant Classification Criteria Version 2. Collection method: clinical testing. Allele origin: germline. Affected: yes. Observed: 1 variant allele.
Comment: DNHD1: BP4, BP7

NM_144666.3(DNHD1):c.9411C>G (p.Ala3137=)

Gene: DNHD1 (dynein heavy chain domain 1; plus strand). Cytogenetic location: 11p15.4.
Variant type: single nucleotide variant.
Coding change: c.9411C>G on transcript NM_144666.3 (MANE Select); coding-DNA position 9411, C replaced by G.
Protein change: p.Ala3137=; no amino-acid change (alanine 3137 retained).
Molecular consequence: synonymous variant.
Genome position (GRCh38, 1-based): chr11:6,559,101, C>G. VCF-style: chr11-6559101-C-G. GRCh37 (hg19) VCF-style: chr11-6580331-C-G.
Identifiers: ClinVar variation 4872591 (VCV004872591.2).